The following is an entry in ClinVar:

ClinVar aggregate classification (germline): Uncertain significance (1 of 4 stars; one submission).

Conditions:
Multiple endocrine neoplasia type 4. Also called: MULTIPLE ENDOCRINE NEOPLASIA, TYPE IV. Identifiers: Orphanet 276152, MedGen C1970712, MONDO:0012552, OMIM 610755.

Submission:

Labcorp Genetics (formerly Invitae), Labcorp
Classification: Uncertain significance for Multiple endocrine neoplasia type 4. Last evaluated: 2022-09-19. Review status: criteria provided, single submitter. Criteria: Invitae Variant Classification Sherloc (09022015). Collection method: clinical testing. Allele origin: germline.
Comment: This variant is not present in population databases (gnomAD no frequency). In summary, the available evidence is currently insufficient to determine the role of this variant in disease. Therefore, it has been classified as a Variant of Uncertain Significance. Algorithms developed to predict the effect of missense changes on protein structure and function are either unavailable or do not agree on the potential impact of this missense change (SIFT: "Deleterious"; PolyPhen-2: "Benign"; Align-GVGD: "Class C65"). ClinVar contains an entry for this variant (Variation ID: 1519214). This variant has not been reported in the literature in individuals affected with CDKN1B-related conditions. This sequence change replaces alanine, which is neutral and non-polar, with glutamic acid, which is acidic and polar, at codon 55 of the CDKN1B protein (p.Ala55Glu).

NM_004064.5(CDKN1B):c.164C>A (p.Ala55Glu)

Gene: CDKN1B (cyclin dependent kinase inhibitor 1B; plus strand). Cytogenetic location: 12p13.1.
Variant type: single nucleotide variant.
Coding change: c.164C>A on transcript NM_004064.5 (MANE Select); coding-DNA position 164, C replaced by A.
Protein change: p.Ala55Glu; replaces alanine 55 with glutamic acid.
Molecular consequence: missense variant.
Genome position (GRCh38, 1-based): chr12:12,718,003, C>A. VCF-style: chr12-12718003-C-A. GRCh37 (hg19) VCF-style: chr12-12870937-C-A.
Other names: short protein forms A55E.
Identifiers: ClinVar variation 1519214 (VCV001519214.6), dbSNP rs765171184, ClinGen allele CA383969125.